The following is an entry in ClinVar:

ClinVar aggregate classification (germline): Conflicting classifications of pathogenicity. Review status: criteria provided, conflicting classifications (1 of 4 stars). 5 submissions from 5 submitters: Uncertain significance (3); Likely benign (2). Last evaluated 2023-05-29.

Conditions:
Familial thoracic aortic aneurysm and aortic dissection (TAAD). Also called: Thoracic aortic aneurysms and dissections. Identifiers: Orphanet 91387, MedGen C4707243, MONDO:0019625.
Aortic aneurysm, familial thoracic 4 (AAT4). Also called: AORTIC ANEURYSM/AORTIC DISSECTION AND PATENT DUCTUS ARTERIOSUS. Identifiers: MedGen C1851504, MONDO:0007568, OMIM 132900.

Allele frequency attached by ClinVar (database versions not stated): gnomAD 0.00002; gnomAD exomes 0.00002 and 0.00003; TOPMed 0.00002; ExAC 0.00004.
gnomAD v4.1: 27 of 1,614,022 alleles (0.0017%); highest among the groups gnomAD compares: Non-Finnish European, 0.0019%; no homozygotes.

Submissions (5):

Blueprint Genetics
Classification: Likely benign. Last evaluated: 2023-05-29. Review status: criteria provided, single submitter. Criteria: ACMG Guidelines, 2015. Collection method: clinical testing. Allele origin: germline.

Ambry Genetics
Classification: Likely benign for Familial thoracic aortic aneurysm and aortic dissection. Last evaluated: 2022-02-20. Review status: criteria provided, single submitter. Criteria: Ambry Variant Classification Scheme 2023. Collection method: clinical testing. Allele origin: germline.

CeGaT Center for Human Genetics Tuebingen
Classification: Uncertain significance. Last evaluated: 2021-11-01. Review status: criteria provided, single submitter. Criteria: CeGaT Center For Human Genetics Tuebingen Variant Classification Criteria Version 2. Collection method: clinical testing. Allele origin: germline. Affected: yes. Observed: 1 variant allele.

Color Diagnostics, LLC DBA Color Health
Classification: Uncertain significance for Familial thoracic aortic aneurysm and aortic dissection. Last evaluated: 2019-05-15. Review status: criteria provided, single submitter. Criteria: ACMG Guidelines, 2015. Collection method: clinical testing. Allele origin: germline.
Comment: This variant is located in the 3' untranslated region of the MYH11 gene. To our knowledge, functional assays have not been performed for this variant nor has this variant been reported in individuals affected with cardiovascular disorders in the literature. This variant has been identified in 8/251482 chromosomes (8/113766 Non-Finnish European chromosomes) in the general population by the Genome Aggregation Database (gnomAD). Available evidence is insufficient to determine the role of this variant in disease conclusively. Therefore, this variant is classified as a Variant of Uncertain Significance.

Illumina Laboratory Services, Illumina
Classification: Uncertain significance for Aortic aneurysm, familial thoracic 4. Last evaluated: 2018-01-13. Review status: criteria provided, single submitter. Criteria: ICSL Variant Classification Criteria 13 December 2019. Collection method: clinical testing. Allele origin: germline.

NM_002474.3(MYH11):c.5823G>A (p.Arg1941=)

Genes: MYH11 (myosin heavy chain 11; minus strand), NDE1 (nudE neurodevelopment protein 1; plus strand). Cytogenetic location: 16p13.11.
Variant type: single nucleotide variant.
Coding change: c.5823G>A on transcript NM_002474.3 (MANE Select); coding-DNA position 5823, G replaced by A.
Protein change: p.Arg1941=; no amino-acid change (arginine 1941 retained).
Molecular consequence: synonymous variant. On other transcripts: 3 prime UTR variant (2), intron variant (2).
Genome position (GRCh38, 1-based): chr16:15,704,087, C>T on the plus strand (G>A on the coding strand, the complement: MYH11 is on the minus strand). VCF-style: chr16-15704087-C-T. GRCh37 (hg19) VCF-style: chr16-15797944-C-T.
Other names: c.*45G>A (NM_001040113.2, NM_022844.3); c.5844G>A, p.Arg1948= (NM_001040114.2); c.947+7227C>T (NM_001143979.2, NM_017668.3).
Identifiers: ClinVar variation 318088 (VCV000318088.47), dbSNP rs764375446, ClinGen allele CA7921059.